The following is an entry in ClinVar:

NM_033380.3(COL4A5):c.4117C>A (p.Gln1373Lys)

Gene: COL4A5 (collagen type IV alpha 5 chain; plus strand). Cytogenetic location: Xq22.3.
Variant type: single nucleotide variant.
Coding change: c.4117C>A on transcript NM_033380.3 (MANE Select); coding-DNA position 4117, C replaced by A.
Protein change: p.Gln1373Lys; replaces glutamine 1373 with lysine.
Molecular consequence: missense variant.
Genome position (GRCh38, 1-based): chrX:108,681,789, C>A. VCF-style: chrX-108681789-C-A. GRCh37 (hg19) VCF-style: chrX-107925019-C-A.
Other names: c.4099C>A, p.Gln1367Lys (NM_000495.5); c.4099C>A (NM_000495.3); short protein forms Q1373K, Q1367K.
Identifiers: ClinVar variation 733939 (VCV000733939.12), dbSNP rs147447379, ClinGen allele CA10489295.

ClinVar aggregate classification (germline): Conflicting classifications of pathogenicity. Review status: criteria provided, conflicting classifications (1 of 4 stars). 4 submissions from 4 submitters: Uncertain significance (2); Benign (1); Likely benign (1). Last evaluated 2025-07-21.

Conditions:
X-linked Alport syndrome (ATS1). Also called: COL4A5-Related Nephropathy; NEPHROPATHY AND DEAFNESS, X-LINKED. Identifiers: Orphanet 63, Orphanet 88917, MedGen C4746986, MONDO:0010520, OMIM 301050.
Inborn genetic diseases. Identifiers: MedGen C0950123, MeSH D030342.

Allele frequency attached by ClinVar (database versions not stated): gnomAD exomes 0.00002 and 0.00007; ExAC 0.00009; gnomAD 0.00014; ESP Exome Variant Server 0.00019; TOPMed 0.00020; 1000 Genomes Project 30x 0.00021; 1000 Genomes Project 0.00026.
gnomAD v4.1: 36 of 1,205,777 alleles (0.003%); highest among the groups gnomAD compares: African/African-American, 0.055%; no homozygotes.

Submissions (4):

Labcorp Genetics (formerly Invitae), Labcorp
Classification: Benign. Last evaluated: 2025-07-21. Review status: criteria provided, single submitter. Criteria: Invitae Variant Classification Sherloc (09022015). Collection method: clinical testing. Allele origin: germline.

Women's Health and Genetics/Laboratory Corporation of America, LabCorp
Classification: Uncertain significance. Last evaluated: 2024-12-17. Review status: criteria provided, single submitter. Criteria: LabCorp Variant Classification Summary - May 2015. Collection method: clinical testing. Allele origin: germline.
Comment: Variant summary: COL4A5 c.4099C>A (p.Gln1367Lys) results in a conservative amino acid change in the encoded protein sequence. Five of five in-silico tools predict a benign effect of the variant on protein function. The variant allele was found at a frequency of 7.1e-05 in 182914 control chromosomes. This frequency is not significantly higher than estimated for a pathogenic variant in COL4A5 causing X-Linked Alport Syndrome, allowing no conclusion about variant significance. To our knowledge, no occurrence of c.4099C>A in individuals affected with X-Linked Alport Syndrome and no experimental evidence demonstrating its impact on protein function have been reported. ClinVar contains an entry for this variant (Variation ID: 733939). Based on the evidence outlined above, the variant was classified as uncertain significance.

Ambry Genetics
Classification: Uncertain significance for Inborn genetic diseases. Last evaluated: 2022-06-09. Review status: criteria provided, single submitter. Criteria: Ambry Variant Classification Scheme 2023. Collection method: clinical testing. Allele origin: germline.

Fulgent Genetics
Classification: Likely benign for X-linked Alport syndrome. Last evaluated: 2021-07-16. Review status: criteria provided, single submitter. Criteria: ACMG Guidelines, 2015. Collection method: clinical testing. Allele origin: unknown.